The following is an entry in ClinVar:

ClinVar aggregate classification (germline): Uncertain significance (1 of 4 stars; one submission).

Conditions:
Cardiovascular phenotype. Identifiers: MedGen CN230736.

Allele frequency attached by ClinVar (database versions not stated): gnomAD exomes below 0.00001; ExAC 0.00001; ESP Exome Variant Server 0.00008.

Submission:

Ambry Genetics
Classification: Uncertain significance for Cardiovascular phenotype. Last evaluated: 2023-04-14. Review status: criteria provided, single submitter. Criteria: Ambry Variant Classification Scheme 2023. Collection method: clinical testing. Allele origin: germline.
Comment: The p.L266P variant (also known as c.797T>C), located in coding exon 1 of the DOLK gene, results from a T to C substitution at nucleotide position 797. The leucine at codon 266 is replaced by proline, an amino acid with similar properties. This amino acid position is conserved. In addition, this alteration is predicted to be deleterious by in silico analysis. Since supporting evidence is limited at this time, the clinical significance of this alteration remains unclear.

NM_014908.4(DOLK):c.797T>C (p.Leu266Pro)

Gene: DOLK (dolichol kinase; minus strand). Cytogenetic location: 9q34.11.
Variant type: single nucleotide variant.
Coding change: c.797T>C on transcript NM_014908.4 (MANE Select); coding-DNA position 797, T replaced by C.
Protein change: p.Leu266Pro; replaces leucine 266 with proline.
Molecular consequence: missense variant.
Genome position (GRCh38, 1-based): chr9:128,946,507, A>G on the plus strand (T>C on the coding strand, the complement: DOLK is on the minus strand). VCF-style: chr9-128946507-A-G. GRCh37 (hg19) VCF-style: chr9-131708786-A-G.
Other names: short protein forms L266P.
Identifiers: ClinVar variation 2563474 (VCV002563474.2), dbSNP rs142102291, ClinGen allele CA5271688.